The following is an entry in ClinVar:

ClinVar aggregate classification (germline): Uncertain significance (1 of 4 stars; one submission).

Conditions:
Hereditary cancer-predisposing syndrome. Also called: Neoplastic Syndromes, Hereditary; Tumor predisposition; Hereditary Cancer Syndrome; Hereditary neoplastic syndrome. Identifiers: Orphanet 140162, MedGen C0027672, MeSH D009386, MONDO:0015356.

Submission:

Ambry Genetics
Classification: Uncertain significance for Hereditary cancer-predisposing syndrome. Last evaluated: 2025-11-18. Review status: criteria provided, single submitter. Criteria: Ambry Variant Classification Scheme 2023. Collection method: clinical testing. Allele origin: germline.
Comment: The p.D894H variant (also known as c.2680G>C), located in coding exon 16 of the PTCH1 gene, results from a G to C substitution at nucleotide position 2680. The aspartic acid at codon 894 is replaced by histidine, an amino acid with similar properties. This amino acid position is not well conserved in available vertebrate species. In addition, the in silico prediction for this alteration is inconclusive. Based on the available evidence, the clinical significance of this variant remains unclear.

NM_000264.5(PTCH1):c.2680G>C (p.Asp894His)

Gene: PTCH1 (patched 1; minus strand). Cytogenetic location: 9q22.32.
Variant type: single nucleotide variant.
Coding change: c.2680G>C on transcript NM_000264.5 (MANE Select); coding-DNA position 2680, G replaced by C.
Protein change: p.Asp894His; replaces aspartic acid 894 with histidine.
Molecular consequence: missense variant. On other transcripts: non-coding transcript variant (1).
Genome position (GRCh38, 1-based): chr9:95,461,879, C>G on the plus strand (G>C on the coding strand, the complement: PTCH1 is on the minus strand). VCF-style: chr9-95461879-C-G. GRCh37 (hg19) VCF-style: chr9-98224161-C-G.
Other names: c.2482G>C, p.Asp828His (NM_001083602.3); c.2677G>C, p.Asp893His (NM_001083603.3); c.2227G>C, p.Asp743His (NM_001083604.3, NM_001083605.3, NM_001083606.3 and 1 more transcripts); c.2524G>C, p.Asp842His (NM_001354918.2); short protein forms D894H, D743H, D842H, D893H, D828H.
Identifiers: ClinVar variation 4676061 (VCV004676061.1).